The following is an entry in ClinVar:

NM_004360.5(CDH1):c.1435G>A (p.Asp479Asn)

Gene: CDH1 (cadherin 1; plus strand). Cytogenetic location: 16q22.1.
Variant type: single nucleotide variant.
Coding change: c.1435G>A on transcript NM_004360.5 (MANE Select); coding-DNA position 1435, G replaced by A.
Protein change: p.Asp479Asn; replaces aspartic acid 479 with asparagine.
Molecular consequence: missense variant. On other transcripts: 5 prime UTR variant (2).
Genome position (GRCh38, 1-based): chr16:68,815,629, G>A. VCF-style: chr16-68815629-G-A. GRCh37 (hg19) VCF-style: chr16-68849532-G-A.
Other names: c.1435G>A (LRG_301t1); c.1252G>A, p.Asp418Asn (NM_001317184.2); c.-114G>A (NM_001317185.2); c.-385G>A (NM_001317186.2); short protein forms D479N, D418N.
Identifiers: ClinVar variation 463716 (VCV000463716.22), dbSNP rs587782796, ClinGen allele CA396463011.
Genomic context (GRCh38, chr16:68,815,629, plus strand): 5'-GTGGTACCTTTTGAGGTCTCTCTCACCACCTCCACAGCCACCGTCACCGTGGATGTGCTG[G>A]ATGTGAATGAAGCCCCCATCTTTGTGCCTCCTGAAAAGAGAGTGGAAGTGTCCGAGGACT-3'
Protein context (NP_004351.1, residues 469-489): STATVTVDVL[Asp479Asn]VNEAPIFVPP

ClinVar aggregate classification (germline): Uncertain significance. Review status: criteria provided, multiple submitters, no conflicts (2 of 4 stars). 5 submissions from 5 submitters: Uncertain significance (4). 1 of the submissions does not count toward it. Last evaluated 2025-07-20.

Conditions:
Hereditary cancer-predisposing syndrome. Also called: Hereditary neoplastic syndrome; Neoplastic Syndromes, Hereditary; Tumor predisposition; Hereditary Cancer Syndrome. Identifiers: Orphanet 140162, MedGen C0027672, MeSH D009386, MONDO:0015356.
Hereditary diffuse gastric adenocarcinoma (HDGC). Also called: DIFFUSE GASTRIC AND LOBULAR BREAST CANCER SYNDROME. Identifiers: Orphanet 26106, MedGen C1708349, MONDO:0007648, OMIM 137215.

Allele frequency attached by ClinVar (database versions not stated): gnomAD exomes below 0.00001.
gnomAD v4.1: 23 of 1,614,214 alleles (0.0014%); highest among the groups gnomAD compares: Non-Finnish European, 0.0019%; no homozygotes.

Submissions (5):

Labcorp Genetics (formerly Invitae), Labcorp
Classification: Uncertain significance for Hereditary diffuse gastric adenocarcinoma. Last evaluated: 2025-07-20. Review status: criteria provided, single submitter. Criteria: Invitae Variant Classification Sherloc (09022015). Collection method: clinical testing. Allele origin: germline.
Comment: This sequence change replaces aspartic acid, which is acidic and polar, with asparagine, which is neutral and polar, at codon 479 of the CDH1 protein (p.Asp479Asn). This variant is present in population databases (no rsID available, gnomAD 0.0009%). This variant has not been reported in the literature in individuals affected with CDH1-related conditions. ClinVar contains an entry for this variant (Variation ID: 463716). An algorithm developed to predict the effect of missense changes on protein structure and function (PolyPhen-2) suggests that this variant is likely to be disruptive. In summary, the available evidence is currently insufficient to determine the role of this variant in disease. Therefore, it has been classified as a Variant of Uncertain Significance.

Ambry Genetics
Classification: Uncertain significance for Hereditary cancer-predisposing syndrome. Last evaluated: 2024-06-09. Review status: criteria provided, single submitter. Criteria: Ambry Variant Classification Scheme 2023. Collection method: clinical testing. Allele origin: germline.
Comment: The p.D479N variant (also known as c.1435G>A), located in coding exon 10 of the CDH1 gene, results from a G to A substitution at nucleotide position 1435. The aspartic acid at codon 479 is replaced by asparagine, an amino acid with highly similar properties. This alteration was identified in 1/1358 non-cancer control individuals and in 0/57 cases, in a study looking at cancer predisposition mutations in patients with cutaneous melanoma and a history of at least two additional non-cutaneous melanoma primary cancers (Pritchard AL et al. PLoS One, 2018 Apr;13:e0194098). This amino acid position is highly conserved in available vertebrate species. In addition, the in silico prediction for this alteration is inconclusive. Since supporting evidence is limited at this time, the clinical significance of this alteration remains unclear.

GeneDx
Classification: Uncertain significance. Last evaluated: 2023-03-29. Review status: criteria provided, single submitter. Criteria: GeneDx Variant Classification Process June 2021. Collection method: clinical testing. Allele origin: germline. Affected: yes.
Comment: Not observed at significant frequency in large population cohorts (gnomAD); In silico analysis supports that this missense variant has a deleterious effect on protein structure/function; Has not been previously published as pathogenic or benign to our knowledge; This variant is associated with the following publications: (PMID: 15235021, 22850631, 29641532)

Color Diagnostics, LLC DBA Color Health
Classification: Uncertain significance for Hereditary cancer-predisposing syndrome. Last evaluated: 2019-04-05. Review status: criteria provided, single submitter. Criteria: ACMG Guidelines, 2015. Collection method: clinical testing. Allele origin: germline.

Mayo Clinic Laboratories, Mayo Clinic
Classification: Uncertain significance. Review status: no assertion criteria provided. Collection method: clinical testing. Allele origin: unknown. Not counted in ClinVar's aggregate classification.

Literature cited by the submitters: PubMed 29641532 (cited by Ambry Genetics).